The following is an entry in ClinVar:

ClinVar aggregate classification (germline): Uncertain significance. Review status: criteria provided, multiple submitters, no conflicts (2 of 4 stars). 2 submissions from 2 submitters: Uncertain significance (2). Last evaluated 2025-04-02.

Allele frequency attached by ClinVar (database versions not stated): gnomAD exomes below 0.00001; TOPMed 0.00001; gnomAD 0.00002.
gnomAD v4.1: 7 of 1,612,050 alleles (0.00043%); highest among the groups gnomAD compares: African/African-American, 0.0027%; no homozygotes.

Submissions (2):

Ambry Genetics
Classification: Uncertain significance. Last evaluated: 2025-04-02. Review status: criteria provided, single submitter. Criteria: Ambry Variant Classification Scheme 2023. Collection method: clinical testing. Allele origin: germline.
Comment: The p.P53S variant (also known as c.157C>T), located in coding exon 3 of the RINT1 gene, results from a C to T substitution at nucleotide position 157. The proline at codon 53 is replaced by serine, an amino acid with similar properties. This amino acid position is conserved. In addition, this alteration is predicted to be tolerated by in silico analysis. Since supporting evidence is limited at this time, the clinical significance of this alteration remains unclear.

Labcorp Genetics (formerly Invitae), Labcorp
Classification: Uncertain significance. Last evaluated: 2019-08-14. Review status: criteria provided, single submitter. Criteria: Invitae Variant Classification Sherloc (09022015). Collection method: clinical testing. Allele origin: germline.
Comment: This sequence change replaces proline with serine at codon 53 of the RINT1 protein (p.Pro53Ser). The proline residue is moderately conserved and there is a moderate physicochemical difference between proline and serine. This variant is not present in population databases (ExAC no frequency). This variant has not been reported in the literature in individuals with RINT1-related conditions. Algorithms developed to predict the effect of missense changes on protein structure and function output the following: SIFT: "Tolerated"; PolyPhen-2: "Benign"; Align-GVGD: "Class C0". The serine amino acid residue is found in multiple mammalian species, suggesting that this missense change does not adversely affect protein function. These predictions have not been confirmed by published functional studies and their clinical significance is uncertain. In summary, the available evidence is currently insufficient to determine the role of this variant in disease. Therefore, it has been classified as a Variant of Uncertain Significance.

NM_021930.6(RINT1):c.157C>T (p.Pro53Ser)

Gene: RINT1 (RAD50 interactor 1; plus strand). Cytogenetic location: 7q22.3.
Variant type: single nucleotide variant.
Coding change: c.157C>T on transcript NM_021930.6 (MANE Select); coding-DNA position 157, C replaced by T.
Protein change: p.Pro53Ser; replaces proline 53 with serine.
Molecular consequence: missense variant. On other transcripts: 5 prime UTR variant (3), non-coding transcript variant (1), intron variant (1).
Genome position (GRCh38, 1-based): chr7:105,536,633, C>T. VCF-style: chr7-105536633-C-T. GRCh37 (hg19) VCF-style: chr7-105177080-C-T.
Other names: c.-863C>T (NM_001346600.2); c.-766C>T (NM_001346601.2); c.-386C>T (NM_001346603.2); c.39+21C>T (NM_001346599.2); short protein forms P53S.
Identifiers: ClinVar variation 960740 (VCV000960740.13), dbSNP rs1255155502, ClinGen allele CA368800200.